The following is an entry in ClinVar:

NM_017654.4(SAMD9):c.3725C>T (p.Pro1242Leu)

Gene: SAMD9 (sterile alpha motif domain containing 9; minus strand). Cytogenetic location: 7q21.2.
Variant type: single nucleotide variant.
Coding change: c.3725C>T on transcript NM_017654.4 (MANE Select); coding-DNA position 3725, C replaced by T.
Protein change: p.Pro1242Leu; replaces proline 1242 with leucine.
Molecular consequence: missense variant.
Genome position (GRCh38, 1-based): chr7:93,102,373, G>A on the plus strand (C>T on the coding strand, the complement: SAMD9 is on the minus strand). VCF-style: chr7-93102373-G-A. GRCh37 (hg19) VCF-style: chr7-92731686-G-A.
Other names: c.3725C>T, p.Pro1242Leu (NM_001193307.2); short protein forms P1242L.
Identifiers: ClinVar variation 1338121 (VCV001338121.14), dbSNP rs201492733, ClinGen allele CA4342647.

ClinVar aggregate classification (germline): Uncertain significance. Review status: criteria provided, multiple submitters, no conflicts (2 of 4 stars). 5 submissions from 5 submitters: Uncertain significance (5). Last evaluated 2025-09-08.

Conditions:
MIRAGE syndrome. Also called: MYELODYSPLASIA, INFECTION, RESTRICTION OF GROWTH, ADRENAL HYPOPLASIA, GENITAL PHENOTYPES, AND ENTEROPATHY. Identifiers: Orphanet 494433, MedGen C4284088, MONDO:0014888, OMIM 617053.
Inborn genetic diseases. Identifiers: MedGen C0950123, MeSH D030342.

Allele frequency attached by ClinVar (database versions not stated): ExAC 0.00001; gnomAD exomes 0.00001 and 0.00003; gnomAD 0.00002 and 0.00003; TOPMed 0.00002; ESP Exome Variant Server 0.00008.
gnomAD v4.1: 40 of 1,607,826 alleles (0.0025%); highest among the groups gnomAD compares: Middle Eastern, 0.017%; no homozygotes.

Submissions (5):

Labcorp Genetics (formerly Invitae), Labcorp
Classification: Uncertain significance. Last evaluated: 2025-09-08. Review status: criteria provided, single submitter. Criteria: Invitae Variant Classification Sherloc (09022015). Collection method: clinical testing. Allele origin: germline.
Comment: This sequence change replaces proline, which is neutral and non-polar, with leucine, which is neutral and non-polar, at codon 1242 of the SAMD9 protein (p.Pro1242Leu). This variant is present in population databases (rs201492733, gnomAD 0.003%). This variant has not been reported in the literature in individuals affected with SAMD9-related conditions. ClinVar contains an entry for this variant (Variation ID: 1338121). Invitae Evidence Modeling of protein sequence and biophysical properties (such as structural, functional, and spatial information, amino acid conservation, physicochemical variation, residue mobility, and thermodynamic stability) indicates that this missense variant is not expected to disrupt SAMD9 protein function with a negative predictive value of 95%. In summary, the available evidence is currently insufficient to determine the role of this variant in disease. Therefore, it has been classified as a Variant of Uncertain Significance.

Ambry Genetics
Classification: Uncertain significance for Inborn genetic diseases. Last evaluated: 2024-11-24. Review status: criteria provided, single submitter. Criteria: Ambry Variant Classification Scheme 2023. Collection method: clinical testing. Allele origin: germline.
Comment: The p.P1242L variant (also known as c.3725C>T), located in coding exon 1 of the SAMD9 gene, results from a C to T substitution at nucleotide position 3725. The proline at codon 1242 is replaced by leucine, an amino acid with similar properties. This amino acid position is conserved. In addition, this alteration is predicted to be tolerated by in silico analysis. Based on the available evidence, the clinical significance of this variant remains unclear.

GeneDx
Classification: Uncertain significance. Last evaluated: 2024-04-02. Review status: criteria provided, single submitter. Criteria: GeneDx Variant Classification Process June 2021. Collection method: clinical testing. Allele origin: germline.
Comment: Not observed at significant frequency in large population cohorts (gnomAD); In silico analysis supports that this missense variant does not alter protein structure/function; Has not been previously published as pathogenic or benign to our knowledge

St. Jude Molecular Pathology, St. Jude Children's Research Hospital
Classification: Uncertain significance for MIRAGE syndrome. Last evaluated: 2022-08-03. Review status: criteria provided, single submitter. Criteria: St. Jude Assertion Criteria 2020. Collection method: clinical testing. Allele origin: germline.
Comment: The SAMD9 c.3725C>T (p.Pro1242Leu) missense change has a maximum subpopulation frequency of 0.0031% in gnomAD v2.1.1. The in silico tool REVEL predicts a benign effect of this variant on protein function, however in silico predictions have not been found to correlate with syndromic risk for SAMD9 variants and are thus not considered supporting evidence of a pathogenic or benign effect (PMID: 34621053). To our knowledge, this variant has not been reported in individuals with SAMD9-associated conditions. In summary, the evidence currently available is insufficient to determine the clinical significance of this variant. It has therefore been classified as of uncertain significance.

Genetic Services Laboratory, University of Chicago
Classification: Uncertain significance. Last evaluated: 2021-10-13. Review status: criteria provided, single submitter. Criteria: ACMG Guidelines, 2015. Collection method: clinical testing. Allele origin: germline. Affected: no.
Comment: DNA sequence analysis of the SAMD9 gene demonstrated a sequence change, c.3725C>T, in exon 3 that results in an amino acid change, p.Pro1242Leu. This sequence change has been described in the gnomAD database with a frequency of 0.0031% in the non-Finnish European subpopulation (dbSNP rs201492733 The p.Pro1242Leu change affects a poorly conserved amino acid residue located in a domain of the SAMD9 protein that is not known to be functional. The p.Pro1242Leu substitution appears to be benign using several in-silico pathogenicity prediction tools (SIFT, PolyPhen2, Align GVGD, REVEL). This sequence change does not appear to have been previously described in individuals with SAMD9-related disorders. Due to insufficient evidences and the lack of functional studies, the clinical significance of the p.Pro1242Leu change remains unknown at this time.